The following is an entry in ClinVar:

ClinVar aggregate classification (germline): Likely pathogenic (1 of 4 stars; one submission).

Conditions:
Hereditary cancer-predisposing syndrome. Also called: Hereditary Cancer Syndrome; Neoplastic Syndromes, Hereditary; Hereditary neoplastic syndrome; Tumor predisposition. Identifiers: Orphanet 140162, MedGen C0027672, MeSH D009386, MONDO:0015356.

Submission:

Ambry Genetics
Classification: Likely pathogenic for Hereditary cancer-predisposing syndrome. Last evaluated: 2025-01-15. Review status: criteria provided, single submitter. Criteria: Ambry Variant Classification Scheme 2023. Collection method: clinical testing. Allele origin: germline.
Comment: The p.S104Y variant (also known as c.311C>A), located in coding exon 1 of the MEN1 gene, results from a C to A substitution at nucleotide position 311. The serine at codon 104 is replaced by tyrosine, an amino acid with dissimilar properties. The p.L34M variant (also known as c.100C>A), located in coding exon 1 of the MEN1 gene, results from a C to A substitution at nucleotide position 100. The leucine at codon 34 is replaced by methionine, an amino acid with highly similar properties. The p.S104Y and p.L34M variants have been observed in cis in individuals with features consistent with multiple endocrine neoplasia type 1 (Ambry internal data). These amino acid positions are highly conserved in available vertebrate species. In addition, these variants predicted to be deleterious by in silico analysis. These variants are considered to be rare based on population cohorts in the Genome Aggregation Database (gnomAD). Based on the majority of available evidence to date, the p.S104Y and p.L34M variants are interpreted as a likely pathogenic haplotype.

Literature cited by the submitters: PubMed 12368203; PubMed 22327296.

NM_001370259.2(MEN1):c.311C>A (p.Ser104Tyr)

Gene: MEN1 (menin 1; minus strand). Cytogenetic location: 11q13.1.
Variant type: single nucleotide variant.
Coding change: c.311C>A on transcript NM_001370259.2 (MANE Select); coding-DNA position 311, C replaced by A.
Protein change: p.Ser104Tyr; replaces serine 104 with tyrosine.
Molecular consequence: missense variant.
Genome position (GRCh38, 1-based): chr11:64,809,799, G>T on the plus strand (C>A on the coding strand, the complement: MEN1 is on the minus strand). VCF-style: chr11-64809799-G-T. GRCh37 (hg19) VCF-style: chr11-64577271-G-T.
Other names: c.311C>A, p.Ser104Tyr (NM_000244.4, NM_001370251.2, NM_001370260.2 and 9 more transcripts); short protein forms S104Y.
Identifiers: ClinVar variation 428053 (VCV000428053.7), dbSNP rs1114167512, ClinGen allele CA381187432.